The following is an entry in ClinVar:

ClinVar aggregate classification (germline): Likely pathogenic (1 of 4 stars; one submission).

gnomAD v4.1: 1 of 168,724 alleles (0.00059%); highest among the groups gnomAD compares: African/African-American, 0.0024%; no homozygotes.

Submission:

GeneDx
Classification: Likely pathogenic. Last evaluated: 2024-08-28. Review status: criteria provided, single submitter. Criteria: GeneDx Variant Classification Process June 2021. Collection method: clinical testing. Allele origin: germline. Affected: yes.
Comment: Published functional studies demonstrate a significant reduction in MLC1 promoter activity (PMID: 38487253); Observed in apparent homozygous state or with a second MLC1 variant on the opposite allele in patients with MLC1-related MRI findings (PMID: 38487253, 35012964) in the literature and not observed in homozygous state in controls; No data available from control populations to assess the frequency of this variant; This variant is associated with the following publications: (PMID: 38487253, 35012964)

NM_001376473.1(MLC1):c.-217-194T>C

Gene: MLC1 (modulator of VRAC current 1; minus strand). Cytogenetic location: 22q13.33.
Variant type: single nucleotide variant.
Coding change: c.-217-194T>C on transcript NM_001376473.1; 194 bases into the intron before 217 bases upstream of the start codon, T replaced by C.
Molecular consequence: intron variant.
Genome position (GRCh38, 1-based): chr22:50,085,490, A>G on the plus strand (T>C on the coding strand, the complement: MLC1 is on the minus strand). VCF-style: chr22-50085490-A-G. GRCh37 (hg19) VCF-style: chr22-50523919-A-G.
Other names: c.-60+315T>C (NM_001376474.1); c.-217-194T>C (NM_001376475.1); c.-60+211T>C (NM_001376476.1).
Identifiers: ClinVar variation 3766186 (VCV003766186.2).